The following is an entry in ClinVar:

ClinVar aggregate classification (germline): Benign/Likely benign. Review status: criteria provided, multiple submitters, no conflicts (2 of 4 stars). 2 submissions from 2 submitters: Benign (1); Likely benign (1). Last evaluated 2024-04-02.

Conditions:
Hereditary cancer-predisposing syndrome. Also called: Hereditary Cancer Syndrome; Hereditary neoplastic syndrome; Neoplastic Syndromes, Hereditary; Tumor predisposition. Identifiers: Orphanet 140162, MedGen C0027672, MeSH D009386, MONDO:0015356.
Familial adenomatous polyposis 1 (FAP1). Also called: FAMILIAL ADENOMATOUS POLYPOSIS 1, ATTENUATED; POLYPOSIS, ADENOMATOUS INTESTINAL. Identifiers: MedGen C2713442, MONDO:0021056, OMIM 175100. Disease mechanism: loss of function.

Allele frequency attached by ClinVar (database versions not stated): gnomAD exomes below 0.00001.
gnomAD v4.1: 1 of 1,614,036 alleles (0.000062%); highest among the groups gnomAD compares: Non-Finnish European, 0.000085%; no homozygotes.

Submissions (2):

Myriad Genetics, Inc.
Classification: Benign for Familial adenomatous polyposis 1. Last evaluated: 2024-04-02. Review status: criteria provided, single submitter. Criteria: Myriad Autosomal Dominant, Autosomal Recessive and X-Linked Classification Criteria (2023). Collection method: clinical testing. Allele origin: unknown.
Comment: This variant is considered benign. This variant is a silent/synonymous amino acid change and it is not expected to impact splicing.

Ambry Genetics
Classification: Likely benign for Hereditary cancer-predisposing syndrome. Last evaluated: 2020-10-02. Review status: criteria provided, single submitter. Criteria: Ambry Variant Classification Scheme 2023. Collection method: clinical testing. Allele origin: germline.

NM_000038.6(APC):c.5829A>G (p.Arg1943=)

Gene: APC (APC regulator of Wnt signaling pathway; plus strand). Cytogenetic location: 5q22.2.
Variant type: single nucleotide variant.
Coding change: c.5829A>G on transcript NM_000038.6 (MANE Select); coding-DNA position 5829, A replaced by G.
Protein change: p.Arg1943=; no amino-acid change (arginine 1943 retained).
Molecular consequence: synonymous variant. On other transcripts: non-coding transcript variant (2).
Genome position (GRCh38, 1-based): chr5:112,841,423, A>G. VCF-style: chr5-112841423-A-G. GRCh37 (hg19) VCF-style: chr5-112177120-A-G.
Other names: c.5829A>G, p.Arg1943= (NM_001127510.3, NM_001354895.2, NM_001407450.1); c.5775A>G, p.Arg1925= (NM_001127511.3); c.5883A>G, p.Arg1961= (NM_001354896.2, NM_001407447.1, NM_001407448.1 and 1 more transcripts); c.5859A>G, p.Arg1953= (NM_001354897.2); c.5754A>G, p.Arg1918= (NM_001354898.2); c.5745A>G, p.Arg1915= (NM_001354899.2); c.5706A>G, p.Arg1902= (NM_001354900.2); c.5652A>G, p.Arg1884= (NM_001354901.2, NM_001407453.1); and 11 more.
Identifiers: ClinVar variation 1749920 (VCV001749920.3), dbSNP rs2149950322, ClinGen allele CA446209843.